The following is an entry in ClinVar:

ClinVar aggregate classification (germline): Pathogenic (1 of 4 stars; one submission).

Submission:

Labcorp Genetics (formerly Invitae), Labcorp
Classification: Pathogenic. Last evaluated: 2019-03-18. Review status: criteria provided, single submitter. Criteria: Invitae Variant Classification Sherloc (09022015). Collection method: clinical testing. Allele origin: germline.
Comment: A gross deletion of the genomic region encompassing the full coding sequence of the BMP2 gene has been identified. The boundaries of this event are unknown as the deletion extends beyond the assayed region for this gene and therefore may encompass additional genes. This variant has not been reported in the literature in individuals with BMP2-related conditions. Loss-of-function variants in BMP2 are known to be pathogenic (PMID: 29198724). For these reasons, this variant has been classified as Pathogenic.

NC_000020.10:g.(?_6015110)_(6759736_?)del

Genes: LRRN4 (leucine rich repeat neuronal 4; minus strand), FERMT1 (FERM domain containing kindlin 1; minus strand), BMP2 (bone morphogenetic protein 2; plus strand), CRLS1 (cardiolipin synthase 1; plus strand). Cytogenetic location: 20p12.3.
Variant type: Deletion.
Identifiers: ClinVar variation 831757 (VCV000831757.1).